The following is an entry in ClinVar:

NM_004260.4(RECQL4):c.2058+4G>T

Gene: RECQL4 (RecQ like helicase 4; minus strand). Cytogenetic location: 8q24.3.
Variant type: single nucleotide variant.
Coding change: c.2058+4G>T on transcript NM_004260.4 (MANE Select); 4 bases into the intron after coding-DNA position 2058, G replaced by T.
Molecular consequence: intron variant.
Genome position (GRCh38, 1-based): chr8:144,513,924, C>A on the plus strand (G>T on the coding strand, the complement: RECQL4 is on the minus strand). VCF-style: chr8-144513924-C-A. GRCh37 (hg19) VCF-style: chr8-145739308-C-A.
Identifiers: ClinVar variation 652681 (VCV000652681.6), dbSNP rs369280644, ClinGen allele CA187684302.
Genomic context (GRCh38, chr8:144,513,924, plus strand): 5'-GAGGGGTCGGCGTGGGCAGTCAGCAGCCAGGGCCCTGCAGGGTCCCCAGAGCACACACAC[C>A]CACCTGGTCTGTGTCCCTGTCCATGGACACGGAAAGGTGCAGGTTGGTGGGAACTGGGGC-3'

ClinVar aggregate classification (germline): Uncertain significance (1 of 4 stars; one submission).

Conditions:
Baller-Gerold syndrome (BGS). Also called: CRANIOSYNOSTOSIS WITH RADIAL DEFECTS. Identifiers: Orphanet 1225, MedGen C0265308, MONDO:0009039, OMIM 218600.

Allele frequency attached by ClinVar (database versions not stated): gnomAD exomes below 0.00001; gnomAD 0.00001; TOPMed 0.00005; ESP Exome Variant Server 0.00016.
gnomAD v4.1: 4 of 1,536,290 alleles (0.00026%); highest among the groups gnomAD compares: African/African-American, 0.0028%; no homozygotes.

Submission:

Labcorp Genetics (formerly Invitae), Labcorp
Classification: Uncertain significance for Baller-Gerold syndrome. Last evaluated: 2023-11-24. Review status: criteria provided, single submitter. Criteria: Invitae Variant Classification Sherloc (09022015). Collection method: clinical testing. Allele origin: germline.
Comment: This sequence change falls in intron 12 of the RECQL4 gene. It does not directly change the encoded amino acid sequence of the RECQL4 protein. It affects a nucleotide within the consensus splice site. The frequency data for this variant in the population databases is considered unreliable, as metrics indicate poor data quality at this position in the gnomAD database. This variant has not been reported in the literature in individuals affected with RECQL4-related conditions. ClinVar contains an entry for this variant (Variation ID: 652681). Variants that disrupt the consensus splice site are a relatively common cause of aberrant splicing (PMID: 17576681, 9536098). Algorithms developed to predict the effect of sequence changes on RNA splicing suggest that this variant is not likely to affect RNA splicing. In summary, the available evidence is currently insufficient to determine the role of this variant in disease. Therefore, it has been classified as a Variant of Uncertain Significance.

Literature cited by the submitters: PubMed 17576681; PubMed 9536098.